The following is an entry in ClinVar:

NM_000368.5(TSC1):c.2126G>A (p.Arg709Lys)

Gene: TSC1 (TSC complex subunit 1; minus strand). Cytogenetic location: 9q34.13.
Variant type: single nucleotide variant.
Coding change: c.2126G>A on transcript NM_000368.5 (MANE Select); coding-DNA position 2126, G replaced by A.
Protein change: p.Arg709Lys; replaces arginine 709 with lysine.
Molecular consequence: missense variant. On other transcripts: non-coding transcript variant (4).
Genome position (GRCh38, 1-based): chr9:132,903,733, C>T on the plus strand (G>A on the coding strand, the complement: TSC1 is on the minus strand). VCF-style: chr9-132903733-C-T. GRCh37 (hg19) VCF-style: chr9-135779120-C-T.
Other names: c.2126G>A, p.Arg709Lys (NM_001406605.1, NM_001406606.1, NM_001406607.1 and 5 more transcripts); c.2123G>A, p.Arg708Lys (NM_001406608.1, NM_001406609.1, NM_001162426.2 and 4 more transcripts); c.1973G>A, p.Arg658Lys (NM_001406610.1, NM_001162427.2); c.1970G>A, p.Arg657Lys (NM_001406611.1, NM_001406612.1, NM_001406613.1); c.1763G>A, p.Arg588Lys (NM_001362177.2, NM_001406624.1, NM_001406614.1 and 5 more transcripts); c.1760G>A, p.Arg587Lys (NM_001406625.1, NM_001406620.1, NM_001406621.1 and 2 more transcripts); c.1175G>A, p.Arg392Lys (NM_001406626.1); c.1172G>A, p.Arg391Lys (NM_001406627.1, NM_001406628.1); and 3 more; short protein forms R391K, R703K, R709K, R587K, R588K, R657K, R658K, R704K.
Identifiers: ClinVar variation 2715902 (VCV002715902.3), dbSNP rs2131765890, ClinGen allele CA375360995.

ClinVar aggregate classification (germline): Uncertain significance (1 of 4 stars; one submission).

Conditions:
Tuberous sclerosis 1 (TSC1). Identifiers: Orphanet 805, MedGen C1854465, MONDO:0008612, OMIM 191100.

Submission:

Labcorp Genetics (formerly Invitae), Labcorp
Classification: Uncertain significance for Tuberous sclerosis 1. Last evaluated: 2023-07-28. Review status: criteria provided, single submitter. Criteria: Invitae Variant Classification Sherloc (09022015). Collection method: clinical testing. Allele origin: germline.
Comment: This variant has not been reported in the literature in individuals affected with TSC1-related conditions. This variant is not present in population databases (gnomAD no frequency). This sequence change replaces arginine, which is basic and polar, with lysine, which is basic and polar, at codon 709 of the TSC1 protein (p.Arg709Lys). Advanced modeling of protein sequence and biophysical properties (such as structural, functional, and spatial information, amino acid conservation, physicochemical variation, residue mobility, and thermodynamic stability) performed at Invitae indicates that this missense variant is not expected to disrupt TSC1 protein function. In summary, the available evidence is currently insufficient to determine the role of this variant in disease. Therefore, it has been classified as a Variant of Uncertain Significance.